The following is an entry in ClinVar:

NC_000012.11:g.(?_1983750)_(1984523_?)del

Gene: CACNA2D4 (calcium voltage-gated channel auxiliary subunit alpha2delta 4; minus strand). Cytogenetic location: 12p13.33.
Variant type: Deletion.
Identifiers: ClinVar variation 1447890 (VCV001447890.7).

ClinVar aggregate classification (germline): Uncertain significance (1 of 4 stars; one submission).

Submission:

Labcorp Genetics (formerly Invitae), Labcorp
Classification: Uncertain significance. Last evaluated: 2023-06-04. Review status: criteria provided, single submitter. Criteria: Invitae Variant Classification Sherloc (09022015). Collection method: clinical testing. Allele origin: germline.
Comment: In summary, the available evidence is currently insufficient to determine the role of this variant in disease. Therefore, it has been classified as a Variant of Uncertain Significance. Experimental studies and prediction algorithms are not available or were not evaluated, and the functional significance of this variant is currently unknown. This variant has not been reported in the literature in individuals affected with CACNA2D4-related conditions. This variant is a gross deletion of the genomic region encompassing exon(s) 17-18 of the CACNA2D4 gene. This variant would be expected to be in-frame, preserving the integrity of the reading frame.